The following is an entry in ClinVar:

NM_001122630.2(CDKN1C):c.636C>T (p.Ser212=)

Gene: CDKN1C (cyclin dependent kinase inhibitor 1C; minus strand). Cytogenetic location: 11p15.4.
Variant type: single nucleotide variant.
Coding change: c.636C>T on transcript NM_001122630.2 (MANE Select); coding-DNA position 636, C replaced by T.
Protein change: p.Ser212=; no amino-acid change (serine 212 retained).
Molecular consequence: synonymous variant. On other transcripts: intron variant (1).
Genome position (GRCh38, 1-based): chr11:2,884,821, G>A on the plus strand (C>T on the coding strand, the complement: CDKN1C is on the minus strand). VCF-style: chr11-2884821-G-A. GRCh37 (hg19) VCF-style: chr11-2906051-G-A.
Other names: c.669C>T, p.Ser223= (LRG_533t1, NM_000076.2, NM_001362474.2); c.636C>T, p.Ser212= (NM_001122631.2); c.255+381C>T (NM_001362475.2).
Identifiers: ClinVar variation 236971 (VCV000236971.29), dbSNP rs540923047, ClinGen allele CA5822196.

ClinVar aggregate classification (germline): Benign/Likely benign. Review status: criteria provided, multiple submitters, no conflicts (2 of 4 stars). 8 submissions from 8 submitters: Benign (1); Likely benign (6). 1 of the submissions does not count toward it. Last evaluated 2026-01-18.

Conditions:
Beckwith-Wiedemann syndrome (BWS). Also called: EMG SYNDROME; Exomphalos macroglossia gigantism syndrome. Identifiers: Orphanet 116, MedGen C0004903, MONDO:0007534, OMIM 130650.
IMAGe syndrome. Also called: Intrauterine growth retardation, metaphyseal dysplasia, adrenal hypoplasia congenita, and genital anomalies; Intrauterine Growth Restriction, Metaphyseal Dysplasia, Adrenal Hypoplasia Congenita, and Genital Anomalies. Identifiers: Orphanet 85173, MedGen C1846009, MONDO:0013873, OMIM 614732.
CDKN1C-related disorder. Also called: CDKN1C-related condition.

Allele frequency attached by ClinVar (database versions not stated): gnomAD exomes 0.00014 and 0.00017; ExAC 0.00023; 1000 Genomes Project 0.00100; 1000 Genomes Project 30x 0.00109; gnomAD 0.00131 and 0.00143; TOPMed 0.00159.

Submissions (8):

Labcorp Genetics (formerly Invitae), Labcorp
Classification: Benign for Beckwith-Wiedemann syndrome. Last evaluated: 2026-01-18. Review status: criteria provided, single submitter. Criteria: Invitae Variant Classification Sherloc (09022015). Collection method: clinical testing. Allele origin: germline.

CeGaT Center for Human Genetics Tuebingen
Classification: Likely benign. Last evaluated: 2025-11-01. Review status: criteria provided, single submitter. Criteria: CeGaT Center For Human Genetics Tuebingen Variant Classification Criteria Version 2. Collection method: clinical testing. Allele origin: germline. Affected: yes. Observed: 2 variant alleles.
Comment: CDKN1C: BP4, BP7, BS1

Blueprint Genetics
Classification: Likely benign. Last evaluated: 2023-04-18. Review status: criteria provided, single submitter. Criteria: ACMG Guidelines, 2015. Collection method: clinical testing. Allele origin: germline.

Sema4
Classification: Likely benign for Beckwith-Wiedemann syndrome. Last evaluated: 2021-08-04. Review status: criteria provided, single submitter. Criteria: Sema4 Curation Guidelines. Collection method: curation. Allele origin: germline.

Fulgent Genetics
Classification: Likely benign for Beckwith-Wiedemann syndrome; IMAGe syndrome. Last evaluated: 2021-07-30. Review status: criteria provided, single submitter. Criteria: ACMG Guidelines, 2015. Collection method: clinical testing. Allele origin: unknown.

GeneDx
Classification: Likely benign. Last evaluated: 2021-03-19. Review status: criteria provided, single submitter. Criteria: GeneDx Variant Classification Process June 2021. Collection method: clinical testing. Allele origin: germline. Affected: yes.

Eurofins Ntd Llc (ga)
Classification: Likely benign. Last evaluated: 2017-02-15. Review status: criteria provided, single submitter. Criteria: EGL Classification Definitions 2015. Collection method: clinical testing. Allele origin: germline. Observed: 2 variant alleles, 2 heterozygotes.

PreventionGenetics, part of Exact Sciences
Classification: Benign for CDKN1C-related condition. Last evaluated: 2023-01-10. Review status: no assertion criteria provided. Collection method: clinical testing. Allele origin: germline. Not counted in ClinVar's aggregate classification.
Comment: This variant is classified as benign based on ACMG/AMP sequence variant interpretation guidelines (Richards et al. 2015 PMID: 25741868, with internal and published modifications).